The following is an entry in ClinVar:

ClinVar aggregate classification (germline): Conflicting classifications of pathogenicity. Review status: criteria provided, conflicting classifications (1 of 4 stars). 5 submissions from 5 submitters: Uncertain significance (4); Likely benign (1). Last evaluated 2025-12-08.

Conditions:
Hereditary cancer-predisposing syndrome. Also called: Tumor predisposition; Hereditary Cancer Syndrome; Hereditary neoplastic syndrome; Neoplastic Syndromes, Hereditary. Identifiers: Orphanet 140162, MedGen C0027672, MeSH D009386, MONDO:0015356.
Hereditary diffuse gastric adenocarcinoma (HDGC). Also called: DIFFUSE GASTRIC AND LOBULAR BREAST CANCER SYNDROME. Identifiers: Orphanet 26106, MedGen C1708349, MONDO:0007648, OMIM 137215.

Allele frequency attached by ClinVar (database versions not stated): gnomAD exomes below 0.00001 and 0.00001; gnomAD 0.00001.
gnomAD v4.1: 6 of 1,614,108 alleles (0.00037%); highest among the groups gnomAD compares: Non-Finnish European, 0.00051%; no homozygotes.

Submissions (5):

Labcorp Genetics (formerly Invitae), Labcorp
Classification: Uncertain significance for Hereditary diffuse gastric adenocarcinoma. Last evaluated: 2025-12-08. Review status: criteria provided, single submitter. Criteria: Invitae Variant Classification Sherloc (09022015). Collection method: clinical testing. Allele origin: germline.
Comment: This sequence change replaces lysine, which is basic and polar, with glutamic acid, which is acidic and polar, at codon 113 of the CDH1 protein (p.Lys113Glu). This variant is present in population databases (no rsID available, gnomAD 0.0009%). This missense change has been observed in individual(s) with non-syndromic orofacial clefts (PMID: 23197654, 30661051). ClinVar contains an entry for this variant (Variation ID: 234799). An algorithm developed to predict the effect of missense changes on protein structure and function (PolyPhen-2) suggests that this variant is likely to be tolerated. In summary, the available evidence is currently insufficient to determine the role of this variant in disease. Therefore, it has been classified as a Variant of Uncertain Significance.

Ambry Genetics
Classification: Likely benign for Hereditary cancer-predisposing syndrome. Last evaluated: 2024-04-26. Review status: criteria provided, single submitter. Criteria: Ambry Variant Classification Scheme 2023. Collection method: clinical testing. Allele origin: germline.

Color Diagnostics, LLC DBA Color Health
Classification: Uncertain significance for Hereditary cancer-predisposing syndrome. Last evaluated: 2022-12-13. Review status: criteria provided, single submitter. Criteria: ACMG Guidelines, 2015. Collection method: clinical testing. Allele origin: germline.
Comment: This missense variant replaces lysine with glutamic acid at codon 113 of the CDH1 protein. Computational prediction tool suggests that this variant may not impact protein structure and function (internally defined REVEL score threshold <=0.5, PMID: 27666373). To our knowledge, functional studies have not been performed for this variant. This variant has been reported in individuals affected with orofacial cleft (PMID: 23197654, 30661051) and in a patient with endometrial cancer that also harbored a mutation in MSH6 (c.2569_2572del, p.Asp857Phefs*10, PMID: 26517685). This variant has been identified in 1/251152 chromosomes in the general population by the Genome Aggregation Database (gnomAD). The available evidence is insufficient to determine the role of this variant in disease conclusively. Therefore, this variant is classified as a Variant of Uncertain Significance.

European Reference Network on Genetic Tumour Risk Syndromes (ERN-GENTURIS), i3s - Instituto de Investigação e Inovação em Saúde, University of Porto
Classification: Uncertain significance for Hereditary diffuse gastric adenocarcinoma. Last evaluated: 2022-08-01. Review status: criteria provided, single submitter. Criteria: Lee et al. (Hum Mutat. 2018). Collection method: clinical testing. Allele origin: germline. Inheritance: Autosomal dominant inheritance. Affected: no. Study: ERN GENTURIS.
Comment: PM2; BS2_Supporting (PMID: 30311375)

GeneDx
Classification: Uncertain significance. Last evaluated: 2018-04-03. Review status: criteria provided, single submitter. Criteria: GeneDx Variant Classification (06012015). Collection method: clinical testing. Allele origin: germline. Affected: yes.
Comment: This variant is denoted CDH1 c.337A>G at the cDNA level, p.Lys113Glu (K113E) at the protein level, and results in the change of a Lysine to a Glutamic Acid (AAA>GAA). This variant has been observed in co-occurrence with a pathogenic MSH6 variant, in one individual with endometrial cancer and a diagnosis of Lynch syndrome (Jori 2015). This variant has also been observed in at least one individual with non-syndromic orofacial cleft, with no specific information about cancer history (Vogelaar 2013). CDH1 Lys113Glu was not observed at a significant allele frequency in large population cohorts (Lek 2016). CDH1 Lys113Glu is located in the precursor sequence domain Brooks-WIlson 2004). In-silico analysis, which includes protein predictors and evolutionary conservation, supports that this variant does not alter protein structure/function. Based on currently available evidence, it is unclear whether CDH1 Lys113Glu is a pathogenic or benign variant. We consider it to be a variant of uncertain significance.

Literature cited by the submitters: PubMed 23197654 (cited by Labcorp Genetics (formerly Invitae), Labcorp and Color Diagnostics, LLC DBA Color Health); PubMed 30661051 (cited by Labcorp Genetics (formerly Invitae), Labcorp and Color Diagnostics, LLC DBA Color Health); PubMed 36436516 (cited by European Reference Network on Genetic Tumour Risk Syndromes (ERN-GENTURIS), i3s - Instituto de Investigação e Inovação em Saúde, University of Porto).

NM_004360.5(CDH1):c.337A>G (p.Lys113Glu)

Gene: CDH1 (cadherin 1; plus strand). Cytogenetic location: 16q22.1.
Variant type: single nucleotide variant.
Coding change: c.337A>G on transcript NM_004360.5 (MANE Select); coding-DNA position 337, A replaced by G.
Protein change: p.Lys113Glu; replaces lysine 113 with glutamic acid.
Molecular consequence: missense variant. On other transcripts: 5 prime UTR variant (2).
Genome position (GRCh38, 1-based): chr16:68,801,843, A>G. VCF-style: chr16-68801843-A-G. GRCh37 (hg19) VCF-style: chr16-68835746-A-G.
Other names: c.337A>G, p.Lys113Glu (NM_001317184.2); c.-1279A>G (NM_001317185.2); c.-1483A>G (NM_001317186.2); c.337A>G (LRG_301t1); short protein forms K113E.
Identifiers: ClinVar variation 234799 (VCV000234799.29), dbSNP rs876661106, ClinGen allele CA10577534.